The following is an entry in ClinVar:

ClinVar aggregate classification (germline): Uncertain significance (1 of 4 stars; one submission).

Conditions:
Bethlem myopathy 1A. Also called: Bethlem Muscular Dystrophy; MYOPATHY, BENIGN CONGENITAL, WITH CONTRACTURES; Bethlem myopathy 1. Identifiers: Orphanet 610, MedGen CN029274, MONDO:0024530, OMIM 158810.

Allele frequency attached by ClinVar (database versions not stated): gnomAD exomes below 0.00001.
gnomAD v4.1: 3 of 1,613,660 alleles (0.00019%); highest among the groups gnomAD compares: Non-Finnish European, 0.00025%; no homozygotes.

Submission:

Labcorp Genetics (formerly Invitae), Labcorp
Classification: Uncertain significance for Bethlem myopathy 1A. Last evaluated: 2026-01-26. Review status: criteria provided, single submitter. Criteria: Invitae Variant Classification Sherloc (09022015). Collection method: clinical testing. Allele origin: germline.
Comment: This sequence change replaces glycine, which is neutral and non-polar, with serine, which is neutral and polar, at codon 1131 of the COL6A3 protein (p.Gly1131Ser). This variant is not present in population databases (gnomAD no frequency). This variant has not been reported in the literature in individuals affected with COL6A3-related conditions. ClinVar contains an entry for this variant (Variation ID: 1011707). Invitae Evidence Modeling of protein sequence and biophysical properties (such as structural, functional, and spatial information, amino acid conservation, physicochemical variation, residue mobility, and thermodynamic stability) indicates that this missense variant is not expected to disrupt COL6A3 protein function with a negative predictive value of 80%. In summary, the available evidence is currently insufficient to determine the role of this variant in disease. Therefore, it has been classified as a Variant of Uncertain Significance.

NM_004369.4(COL6A3):c.3391G>A (p.Gly1131Ser)

Gene: COL6A3 (collagen type VI alpha 3 chain; minus strand). Cytogenetic location: 2q37.3.
Variant type: single nucleotide variant.
Coding change: c.3391G>A on transcript NM_004369.4 (MANE Select); coding-DNA position 3391, G replaced by A.
Protein change: p.Gly1131Ser; replaces glycine 1131 with serine.
Molecular consequence: missense variant.
Genome position (GRCh38, 1-based): chr2:237,374,700, C>T on the plus strand (G>A on the coding strand, the complement: COL6A3 is on the minus strand). VCF-style: chr2-237374700-C-T. GRCh37 (hg19) VCF-style: chr2-238283343-C-T.
Other names: c.2170G>A, p.Gly724Ser (NM_057164.5); c.2773G>A, p.Gly925Ser (NM_057165.5, NM_057167.4); c.1570G>A, p.Gly524Ser (NM_057166.5); short protein forms G1131S, G524S, G724S, G925S.
Identifiers: ClinVar variation 1011707 (VCV001011707.9), dbSNP rs2077786156, ClinGen allele CA351203199.